The following is an entry in ClinVar:

NM_018972.4(GDAP1):c.485-186A>G

Gene: GDAP1 (ganglioside induced differentiation associated protein 1; plus strand). Cytogenetic location: 8q21.11.
Variant type: single nucleotide variant.
Coding change: c.485-186A>G on transcript NM_018972.4 (MANE Select); 186 bases into the intron before coding-DNA position 485, A replaced by G.
Molecular consequence: intron variant.
Genome position (GRCh38, 1-based): chr8:74,361,698, A>G. VCF-style: chr8-74361698-A-G. GRCh37 (hg19) VCF-style: chr8-75273933-A-G.
Other names: c.485-186A>G (NM_001362931.2); c.311-186A>G (NM_001362930.2); c.158-186A>G (NM_001362929.2, NM_001362932.2); c.281-186A>G (NM_001040875.4).
Identifiers: ClinVar variation 681276 (VCV000681276.2), dbSNP rs55894757, ClinGen allele CA12916452.

ClinVar aggregate classification (germline): Benign. Review status: criteria provided, multiple submitters, no conflicts (2 of 4 stars). 2 submissions from 2 submitters: Benign (2). Last evaluated 2018-06-19.

Allele frequency attached by ClinVar (database versions not stated): gnomAD 0.22750 and 0.23044; TOPMed 0.24740; 1000 Genomes Project 0.28195; 1000 Genomes Project 30x 0.28716.
gnomAD v4.1: 34,954 of 152,132 alleles (23%); highest among the groups gnomAD compares: Admixed American, 33%; 4,359 homozygotes.

Submissions (2):

GeneDx
Classification: Benign. Last evaluated: 2018-06-19. Review status: criteria provided, single submitter. Criteria: GeneDx Variant Classification (06012015). Collection method: clinical testing. Allele origin: germline. Affected: yes.
Comment: This variant is considered likely benign or benign based on one or more of the following criteria: it is a conservative change, it occurs at a poorly conserved position in the protein, it is predicted to be benign by multiple in silico algorithms, and/or has population frequency not consistent with disease.

Breakthrough Genomics
Classification: Benign. Review status: criteria provided, single submitter. Criteria: ACMG Guidelines, 2015. Collection method: not provided. Allele origin: germline. Inheritance: Autosomal recessive inheritance. Affected: yes.